The following is an entry in ClinVar:

ClinVar aggregate classification (germline): Conflicting classifications of pathogenicity. Review status: criteria provided, conflicting classifications (1 of 4 stars). 5 submissions from 5 submitters: Uncertain significance (1); Benign (3). 1 of the submissions does not count toward it. Last evaluated 2026-02-04.

Conditions:
Autosomal recessive nonsyndromic hearing loss 77. Identifiers: Orphanet 90636, MedGen C2746083, MONDO:0013119, OMIM 613079.

Allele frequency attached by ClinVar (database versions not stated): gnomAD exomes 0.00055 and 0.00122; ExAC 0.00236; 1000 Genomes Project 0.00519; 1000 Genomes Project 30x 0.00609; gnomAD 0.00613 and 0.00656; TOPMed 0.00705; ESP Exome Variant Server 0.00810.
gnomAD v4.1: 1,718 of 1,552,360 alleles (0.11%); highest among the groups gnomAD compares: African/African-American, 2.1%; 18 homozygotes.

Submissions (5):

Labcorp Genetics (formerly Invitae), Labcorp
Classification: Benign. Last evaluated: 2026-02-04. Review status: criteria provided, single submitter. Criteria: Invitae Variant Classification Sherloc (09022015). Collection method: clinical testing. Allele origin: germline.

GeneDx
Classification: Benign. Last evaluated: 2018-09-06. Review status: criteria provided, single submitter. Criteria: GeneDx Variant Classification Process June 2021. Collection method: clinical testing. Allele origin: germline. Affected: yes.

Illumina Laboratory Services, Illumina
Classification: Uncertain significance for Autosomal recessive nonsyndromic hearing loss 77. Last evaluated: 2018-01-12. Review status: criteria provided, single submitter. Criteria: ICSL Variant Classification Criteria 13 December 2019. Collection method: clinical testing. Allele origin: germline.

Laboratory for Molecular Medicine, Mass General Brigham Personalized Medicine
Classification: Benign. Last evaluated: 2016-03-31. Review status: criteria provided, single submitter. Criteria: LMM Criteria. Collection method: clinical testing. Allele origin: germline. Observed: 7 variant alleles.
Comment: p.Val92Ile in Exon 03 of LOXHD1: This variant is not expected to have clinical s ignificance because it has been identified in 2.2% (53/2362) of African chromoso mes by the Exome Aggregation Consortium (ExAC; d bSNP rs115275492).

Natera, Inc.
Classification: Benign for Autosomal recessive deafness type 77. Last evaluated: 2020-09-16. Review status: no assertion criteria provided. Collection method: clinical testing. Allele origin: germline. Not counted in ClinVar's aggregate classification.

NM_001384474.1(LOXHD1):c.274G>A (p.Val92Ile)

Gene: LOXHD1 (lipoxygenase homology PLAT domains 1; minus strand). Cytogenetic location: 18q21.1.
Variant type: single nucleotide variant.
Coding change: c.274G>A on transcript NM_001384474.1 (MANE Select); coding-DNA position 274, G replaced by A.
Protein change: p.Val92Ile; replaces valine 92 with isoleucine.
Molecular consequence: missense variant.
Genome position (GRCh38, 1-based): chr18:46,642,008, C>T on the plus strand (G>A on the coding strand, the complement: LOXHD1 is on the minus strand). VCF-style: chr18-46642008-C-T. GRCh37 (hg19) VCF-style: chr18-44221971-C-T.
Other names: c.274G>A, p.Val92Ile (NM_144612.7); short protein forms V92I.
Identifiers: ClinVar variation 163940 (VCV000163940.23), dbSNP rs115275492, ClinGen allele CA176670.